The following is an entry in ClinVar:

NM_001080512.3(BICC1):c.2711T>C (p.Phe904Ser)

Gene: BICC1 (BicC family RNA binding protein 1; plus strand). Cytogenetic location: 10q21.1.
Variant type: single nucleotide variant.
Coding change: c.2711T>C on transcript NM_001080512.3 (MANE Select); coding-DNA position 2711, T replaced by C.
Protein change: p.Phe904Ser; replaces phenylalanine 904 with serine.
Molecular consequence: missense variant.
Genome position (GRCh38, 1-based): chr10:58,820,385, T>C. VCF-style: chr10-58820385-T-C. GRCh37 (hg19) VCF-style: chr10-60580145-T-C.
Other names: short protein forms F904S.
Identifiers: ClinVar variation 1313089 (VCV001313089.2), dbSNP rs2132969956, ClinGen allele CA376984362.

ClinVar aggregate classification (germline): Uncertain significance (1 of 4 stars; one submission).

Submission:

GeneDx
Classification: Uncertain significance. Last evaluated: 2020-07-14. Review status: criteria provided, single submitter. Criteria: GeneDx Variant Classification Process June 2021. Collection method: clinical testing. Allele origin: germline. Affected: yes.
Comment: Not observed in large population cohorts (Lek et al., 2016); In silico analysis supports that this missense variant has a deleterious effect on protein structure/function; Has not been previously published as pathogenic or benign to our knowledge